The following is an entry in ClinVar:

ClinVar aggregate classification (germline): Benign/Likely benign. Review status: criteria provided, multiple submitters, no conflicts (2 of 4 stars). 11 submissions from 10 submitters: Benign (3); Likely benign (7). 1 of the submissions does not count toward it. Last evaluated 2026-01-12.

Conditions:
ANKH-related disorder. Also called: ANKH-Related Disorders; ANKH-related condition.
Chondrocalcinosis 2. Also called: CALCIUM GOUT; CALCIUM PYROPHOSPHATE ARTHROPATHY; Familial calcium pyrophosphate deposition. Identifiers: Orphanet 1416, MedGen C0856830, MONDO:0007319, OMIM 118600.
Craniometaphyseal dysplasia, autosomal dominant (CMDD). Identifiers: Orphanet 1522, MedGen C1852502, MONDO:0007397, OMIM 123000.

Allele frequency attached by ClinVar (database versions not stated): 1000 Genomes Project 0.00040; 1000 Genomes Project 30x 0.00078; ExAC 0.00154; gnomAD exomes 0.00156; TOPMed 0.00161; gnomAD 0.00167 and 0.00173; ESP Exome Variant Server 0.00254.
gnomAD v4.1: 4,009 of 1,614,184 alleles (0.25%); highest among the groups gnomAD compares: Non-Finnish European, 0.33%; 6 homozygotes.

Submissions (13):

Labcorp Genetics (formerly Invitae), Labcorp
Classification: Likely benign. Last evaluated: 2026-01-12. Review status: criteria provided, single submitter. Criteria: Invitae Variant Classification Sherloc (09022015). Collection method: clinical testing. Allele origin: germline.

CeGaT Center for Human Genetics Tuebingen
Classification: Likely benign. Last evaluated: 2025-10-01. Review status: criteria provided, single submitter. Criteria: CeGaT Center For Human Genetics Tuebingen Variant Classification Criteria Version 2. Collection method: clinical testing. Allele origin: germline. Affected: yes. Observed: 7 variant alleles.
Comment: ANKH: PP2, BP4, BS1

Blueprint Genetics
Classification: Likely benign. Last evaluated: 2024-10-09. Review status: criteria provided, single submitter. Criteria: ACMG Guidelines, 2015. Collection method: clinical testing. Allele origin: germline.

Fulgent Genetics
Classification: Likely benign for Chondrocalcinosis 2; Craniometaphyseal dysplasia, autosomal dominant. Last evaluated: 2022-03-11. Review status: criteria provided, single submitter. Criteria: ACMG Guidelines, 2015. Collection method: clinical testing. Allele origin: unknown.

Genome-Nilou Lab
Classification: Benign for Craniometaphyseal dysplasia, autosomal dominant. Last evaluated: 2021-12-05. Review status: criteria provided, single submitter. Criteria: ACMG Guidelines, 2015. Collection method: clinical testing. Allele origin: germline. Affected: no.

GeneDx
Classification: Likely benign. Last evaluated: 2021-03-10. Review status: criteria provided, single submitter. Criteria: GeneDx Variant Classification Process June 2021. Collection method: clinical testing. Allele origin: germline. Affected: yes.

Illumina Laboratory Services, Illumina
Classification: Benign for Chondrocalcinosis 2. Last evaluated: 2018-01-13. Review status: criteria provided, single submitter. Criteria: ICSL Variant Classification Criteria 13 December 2019. Collection method: clinical testing. Allele origin: germline.
Comment: This variant was observed in the ICSL laboratory as part of a predisposition screen in an ostensibly healthy population. It had not been previously curated by ICSL or reported in the Human Gene Mutation Database (HGMD: prior to June 1st, 2018), and was therefore a candidate for classification through an automated scoring system. Utilizing variant allele frequency, disease prevalence and penetrance estimates, and inheritance mode, an automated score was calculated to assess if this variant is too frequent to cause the disease. Based on the score and internal cut-off values, a variant classified as benign is not then subjected to further curation. The score for this variant resulted in a classification of benign for this disease.

Illumina Laboratory Services, Illumina
Classification: Benign for Craniometaphyseal dysplasia, autosomal dominant. Last evaluated: 2018-01-13. Review status: criteria provided, single submitter. Criteria: ICSL Variant Classification Criteria 13 December 2019. Collection method: clinical testing. Allele origin: germline.
Comment: the same text as in the submission from Illumina Laboratory Services, Illumina above.

Eurofins Ntd Llc (ga)
Classification: Likely benign. Last evaluated: 2015-10-05. Review status: criteria provided, single submitter. Criteria: EGL Classification Definitions 2015. Collection method: clinical testing. Allele origin: germline. Observed: 1 variant allele, 1 heterozygote.

Breakthrough Genomics
Classification: Likely benign. Review status: criteria provided, single submitter. Criteria: ACMG Guidelines, 2015. Collection method: not provided. Allele origin: germline. Inheritance: Autosomal dominant inheritance. Affected: yes.

PreventionGenetics, part of Exact Sciences
Classification: Likely benign for ANKH-related condition. Last evaluated: 2020-05-28. Review status: no assertion criteria provided. Collection method: clinical testing. Allele origin: germline. Not counted in ClinVar's aggregate classification.
Comment: This variant is classified as likely benign based on ACMG/AMP sequence variant interpretation guidelines (Richards et al. 2015 PMID: 25741868, with internal and published modifications).

Dr. Peter K. Rogan Lab, Western University
No classification provided (evidence only). Condition: Colorectal cancer. Review status: no classification provided. Collection method: in vitro. Allele origin: not applicable. Functional consequence: retained intron. Not counted in ClinVar's aggregate classification.

Dr. Peter K. Rogan Lab, Western University
No classification provided (evidence only). Condition: Germ cell tumor of testis. Review status: no classification provided. Collection method: in vitro. Allele origin: not applicable. Functional consequence: retained intron. Not counted in ClinVar's aggregate classification.

NM_054027.6(ANKH):c.1237G>A (p.Ala413Thr)

Genes: ANKH (ANKH inorganic pyrophosphate transport regulator; minus strand), OTULIN (OTU deubiquitinase with linear linkage specificity; plus strand), LOC100130744 (uncharacterized LOC100130744; plus strand). Cytogenetic location: 5p15.2.
Variant type: single nucleotide variant.
Coding change: c.1237G>A on transcript NM_054027.6 (MANE Select); coding-DNA position 1237, G replaced by A.
Protein change: p.Ala413Thr; replaces alanine 413 with threonine.
Molecular consequence: missense variant. On other transcripts: non-coding transcript variant (1).
Genome position (GRCh38, 1-based): chr5:14,713,572, C>T on the plus strand (G>A on the coding strand, the complement: ANKH is on the minus strand). VCF-style: chr5-14713572-C-T. GRCh37 (hg19) VCF-style: chr5-14713681-C-T.
Other names: short protein forms A413T.
Identifiers: ClinVar variation 283343 (VCV000283343.49), dbSNP rs112513380, ClinGen allele CA3208882.